The following is an entry in ClinVar:

NM_032638.5(GATA2):c.41C>A (p.Pro14Gln)

Gene: GATA2 (GATA binding protein 2; minus strand). Cytogenetic location: 3q21.3.
Variant type: single nucleotide variant.
Coding change: c.41C>A on transcript NM_032638.5 (MANE Select); coding-DNA position 41, C replaced by A.
Protein change: p.Pro14Gln; replaces proline 14 with glutamine.
Molecular consequence: missense variant.
Genome position (GRCh38, 1-based): chr3:128,486,991, G>T on the plus strand (C>A on the coding strand, the complement: GATA2 is on the minus strand). VCF-style: chr3-128486991-G-T. GRCh37 (hg19) VCF-style: chr3-128205834-G-T.
Other names: c.41C>A, p.Pro14Gln (NM_001145661.2, NM_001145662.1); short protein forms P14Q.
Identifiers: ClinVar variation 2947772 (VCV002947772.3), dbSNP rs780089207, ClinGen allele CA354409176.
Genomic context (GRCh38, chr3:128,486,991, plus strand): 5'-ATGTAGTTGTGCGCCAGGCCCGGGTGGTGTGAGTCGGGGTGCTGCGCATTCAGCACGGCC[G>T]GGTGCGCCATCCAGCGCGGCTGCTCGGGCGCCACCTCCATGGCCGGCGGCGGCGGCTCAG-3'
Protein context (NP_116027.2, residues 4-24): APEQPRWMAH[Pro14Gln]AVLNAQHPDS

ClinVar aggregate classification (germline): Uncertain significance (1 of 4 stars; one submission).

Conditions:
Deafness-lymphedema-leukemia syndrome. Also called: Lymphedema, primary, with myelodysplasia; Emberger syndrome. Identifiers: Orphanet 3226, MedGen C3279664, MONDO:0013540, OMIM 614038.
Monocytopenia with susceptibility to infections. Also called: MONOCYTOPENIA AND MYCOBACTERIAL INFECTION SYNDROME; MONOCYTOPENIA WITH SUSCEPTIBILITY TO MYCOBACTERIAL, FUNGAL, AND PAPILLOMAVIRUS INFECTIONS AND MYELODYSPLASIA; COMBINED IMMUNODEFICIENCY WITH SUSCEPTIBILITY TO MYCOBACTERIAL, VIRAL, AND FUNGAL INFECTIONS; Dendritic cell, monocyte, B lymphocyte, and natural killer lymphocyte deficiency; IMMUNODEFICIENCY 21; GATA2 DEFICIENCY. Identifiers: Orphanet 228423, MedGen C3280030, MONDO:0013607, OMIM 614172.

Submission:

Labcorp Genetics (formerly Invitae), Labcorp
Classification: Uncertain significance for Monocytopenia with susceptibility to infections; Deafness-lymphedema-leukemia syndrome. Last evaluated: 2024-05-07. Review status: criteria provided, single submitter. Criteria: Invitae Variant Classification Sherloc (09022015). Collection method: clinical testing. Allele origin: germline.
Comment: This sequence change replaces proline, which is neutral and non-polar, with glutamine, which is neutral and polar, at codon 14 of the GATA2 protein (p.Pro14Gln). This variant is not present in population databases (gnomAD no frequency). This variant has not been reported in the literature in individuals affected with GATA2-related conditions. Advanced modeling of protein sequence and biophysical properties (such as structural, functional, and spatial information, amino acid conservation, physicochemical variation, residue mobility, and thermodynamic stability) has been performed at Invitae for this missense variant, however the output from this modeling did not meet the statistical confidence thresholds required to predict the impact of this variant on GATA2 protein function. In summary, the available evidence is currently insufficient to determine the role of this variant in disease. Therefore, it has been classified as a Variant of Uncertain Significance.